The following is an entry in ClinVar:

NM_001394062.1(MACF1):c.19030G>A (p.Glu6344Lys)

Gene: MACF1 (microtubule actin crosslinking factor 1; plus strand). Cytogenetic location: 1p34.3.
Variant type: single nucleotide variant.
Coding change: c.19030G>A on transcript NM_001394062.1 (MANE Select); coding-DNA position 19030, G replaced by A.
Protein change: p.Glu6344Lys; replaces glutamic acid 6344 with lysine.
Molecular consequence: missense variant.
Genome position (GRCh38, 1-based): chr1:39,442,493, G>A. VCF-style: chr1-39442493-G-A. GRCh37 (hg19) VCF-style: chr1-39908165-G-A.
Other names: c.7108G>A, p.Glu2370Lys (NM_001397473.1); c.12853G>A, p.Glu4285Lys (NM_012090.5); short protein forms E2370K, E4285K, E6344K.
Identifiers: ClinVar variation 4750573 (VCV004750573.1).

ClinVar aggregate classification (germline): Uncertain significance (1 of 4 stars; one submission).

gnomAD v4.1: 379 of 1,614,024 alleles (0.023%); highest among the groups gnomAD compares: Non-Finnish European, 0.031%; 1 homozygote.

Submission:

Labcorp Genetics (formerly Invitae), Labcorp
Classification: Uncertain significance. Last evaluated: 2025-08-04. Review status: criteria provided, single submitter. Criteria: Invitae Variant Classification Sherloc (09022015). Collection method: clinical testing. Allele origin: germline.
Comment: This sequence change replaces glutamic acid, which is acidic and polar, with lysine, which is basic and polar, at codon 4285 of the MACF1 protein (p.Glu4285Lys). This variant is present in population databases (rs147673829, gnomAD 0.01%). This variant has not been reported in the literature in individuals affected with MACF1-related conditions. An algorithm developed to predict the effect of missense changes on protein structure and function (PolyPhen-2) suggests that this variant is likely to be disruptive. In summary, the available evidence is currently insufficient to determine the role of this variant in disease. Therefore, it has been classified as a Variant of Uncertain Significance.